The following is an entry in ClinVar:

NM_005120.3(MED12):c.1740G>A (p.Met580Ile)

Genes: MED12 (mediator complex subunit 12; plus strand), LOC126863275 (BRD4-independent group 4 enhancer GRCh37_chrX:70342400-70343599; plus strand). Cytogenetic location: Xq13.1.
Variant type: single nucleotide variant.
Coding change: c.1740G>A on transcript NM_005120.3 (MANE Select); coding-DNA position 1740, G replaced by A.
Protein change: p.Met580Ile; replaces methionine 580 with isoleucine.
Molecular consequence: missense variant.
Genome position (GRCh38, 1-based): chrX:71,123,716, G>A. VCF-style: chrX-71123716-G-A. GRCh37 (hg19) VCF-style: chrX-70343566-G-A.
Other names: short protein forms M580I.
Identifiers: ClinVar variation 4281811 (VCV004281811.1).

ClinVar aggregate classification (germline): Uncertain significance (1 of 4 stars; one submission).

Submission:

GeneDx
Classification: Uncertain significance. Last evaluated: 2025-04-08. Review status: criteria provided, single submitter. Criteria: GeneDx Variant Classification Process June 2021. Collection method: clinical testing. Allele origin: germline. Affected: yes.
Comment: Not observed at significant frequency in large population cohorts (gnomAD); In silico analysis indicates that this missense variant does not alter protein structure/function; Has not been previously published as pathogenic or benign to our knowledge